The following is an entry in ClinVar:

ClinVar aggregate classification (germline): Uncertain significance. Review status: criteria provided, multiple submitters, no conflicts (2 of 4 stars). 3 submissions from 3 submitters: Uncertain significance (3). Last evaluated 2026-03-26.

Conditions:
Hereditary cancer-predisposing syndrome. Also called: Tumor predisposition; Hereditary neoplastic syndrome; Neoplastic Syndromes, Hereditary; Hereditary Cancer Syndrome. Identifiers: Orphanet 140162, MedGen C0027672, MeSH D009386, MONDO:0015356.
Endometrial carcinoma. Also called: Endometrial carcinoma, somatic. Identifiers: MedGen C0476089, MONDO:0002447, OMIM 608089, HP:0012114.

Submissions (3):

Ambry Genetics
Classification: Uncertain significance for Hereditary cancer-predisposing syndrome. Last evaluated: 2026-03-26. Review status: criteria provided, single submitter. Criteria: Ambry Variant Classification Scheme 2023. Collection method: clinical testing. Allele origin: germline.
Comment: The p.W456C variant (also known as c.1368G>T), located in coding exon 4 of the MSH6 gene, results from a G to T substitution at nucleotide position 1368. The tryptophan at codon 456 is replaced by cysteine, an amino acid with highly dissimilar properties. This amino acid position is highly conserved in available vertebrate species. In addition, this alteration is predicted to be deleterious by in silico analysis. Based on the available evidence, the clinical significance of this variant remains unclear.

Quest Diagnostics Nichols Institute San Juan Capistrano
Classification: Uncertain significance. Last evaluated: 2024-10-22. Review status: criteria provided, single submitter. Criteria: Quest Diagnostics criteria. Collection method: clinical testing. Allele origin: unknown.
Comment: The MSH6 c.1368G>T (p.Trp456Cys) variant has not been reported in individuals with MSH6-related conditions in the published literature. It also has not been reported in large, multi-ethnic general populations (Genome Aggregation Database). Analysis of this variant using bioinformatics tools for the prediction of the effect of amino acid changes on protein structure and function yielded predictions that this variant is damaging. Based on the available information, we are unable to determine the clinical significance of this variant.

Baylor Genetics
Classification: Uncertain significance for Endometrial carcinoma. Last evaluated: 2023-05-12. Review status: criteria provided, single submitter. Criteria: ACMG Guidelines, 2015. Collection method: clinical testing. Allele origin: unknown.

Literature cited by the submitters: PubMed 33471991 (cited by Quest Diagnostics Nichols Institute San Juan Capistrano).

NM_000179.3(MSH6):c.1368G>T (p.Trp456Cys)

Gene: MSH6 (mutS homolog 6; plus strand). Cytogenetic location: 2p16.3.
Variant type: single nucleotide variant.
Coding change: c.1368G>T on transcript NM_000179.3 (MANE Select); coding-DNA position 1368, G replaced by T.
Protein change: p.Trp456Cys; replaces tryptophan 456 with cysteine.
Molecular consequence: missense variant. On other transcripts: non-coding transcript variant (4), intron variant (1).
Genome position (GRCh38, 1-based): chr2:47,799,351, G>T. VCF-style: chr2-47799351-G-T. GRCh37 (hg19) VCF-style: chr2-48026490-G-T.
Other names: c.628-1315G>T (NM_001407362.1); c.978G>T, p.Trp326Cys (NM_001281492.2); c.462G>T, p.Trp154Cys (NM_001281493.2, NM_001281494.2, NM_001406812.1 and 6 more transcripts); c.1464G>T, p.Trp488Cys (NM_001406795.1, NM_001406802.1); c.1368G>T, p.Trp456Cys (NM_001406796.1, NM_001406798.1, NM_001406800.1 and 4 more transcripts); c.1071G>T, p.Trp357Cys (NM_001406797.1, NM_001406818.1, NM_001406819.1 and 10 more transcripts); c.843G>T, p.Trp281Cys (NM_001406799.1, NM_001406806.1, NM_001406807.1); c.1374G>T, p.Trp458Cys (NM_001406813.1); and 2 more; short protein forms W154C, W281C, W326C, W357C, W400C, W430C, W456C, W458C.
Identifiers: ClinVar variation 2676816 (VCV002676816.3), dbSNP rs1572722737, ClinGen allele CA346744888.